The following is an entry in ClinVar:

ClinVar aggregate classification (germline): Uncertain significance (1 of 4 stars; one submission).

Conditions:
Fanconi anemia (FA). Also called: Fanconi's anemia. Identifiers: Orphanet 84, MedGen C0015625, MeSH D005199, MONDO:0019391.

Allele frequency attached by ClinVar (database versions not stated): gnomAD exomes below 0.00001.
gnomAD v4.1: 1 of 1,250,266 alleles (0.00008%); highest among the groups gnomAD compares: Admixed American, 0.0017%; no homozygotes.

Submission:

Labcorp Genetics (formerly Invitae), Labcorp
Classification: Uncertain significance for Fanconi anemia. Last evaluated: 2025-03-31. Review status: criteria provided, single submitter. Criteria: Invitae Variant Classification Sherloc (09022015). Collection method: clinical testing. Allele origin: germline.
Comment: This sequence change replaces glycine, which is neutral and non-polar, with alanine, which is neutral and non-polar, at codon 437 of the FANCM protein (p.Gly437Ala). This variant is present in population databases (no rsID available, gnomAD 0.003%). This variant has not been reported in the literature in individuals affected with FANCM-related conditions. ClinVar contains an entry for this variant (Variation ID: 1035153). An algorithm developed to predict the effect of missense changes on protein structure and function (PolyPhen-2) suggests that this variant is likely to be tolerated. Algorithms developed to predict the effect of sequence changes on RNA splicing suggest that this variant may disrupt the consensus splice site. In summary, the available evidence is currently insufficient to determine the role of this variant in disease. Therefore, it has been classified as a Variant of Uncertain Significance.

NM_020937.4(FANCM):c.1310G>C (p.Gly437Ala)

Gene: FANCM (FA complementation group M; plus strand). Cytogenetic location: 14q21.2.
Variant type: single nucleotide variant.
Coding change: c.1310G>C on transcript NM_020937.4 (MANE Select); coding-DNA position 1310, G replaced by C.
Protein change: p.Gly437Ala; replaces glycine 437 with alanine.
Molecular consequence: missense variant.
Genome position (GRCh38, 1-based): chr14:45,155,373, G>C. VCF-style: chr14-45155373-G-C. GRCh37 (hg19) VCF-style: chr14-45624576-G-C.
Other names: c.1232G>C, p.Gly411Ala (NM_001308133.2); c.1310G>C, p.Gly437Ala (NM_001308134.2); short protein forms G411A, G437A.
Identifiers: ClinVar variation 1035153 (VCV001035153.8), dbSNP rs1290183944, ClinGen allele CA389592063.
Genomic context (GRCh38, chr14:45,155,373, plus strand): 5'-TAGTGTAATTGAATATGGAAAAAAACAGAAAAAAATTTTGATATTTTTGTTTTGTTCCAG[G>C]AGATAAAAATAAAAAATTTGTTTATAGTCATCCAAAGTTAAAGAAATTAGAAGAAGTTGT-3'
Protein context (NP_065988.1, residues 427-447): SANGISAIQQ[Gly437Ala]DKNKKFVYSH